The following is an entry in ClinVar:

NM_001386298.1(CIC):c.3163_3164del (p.Glu1054_Ser1055insTer)

Gene: CIC (capicua transcriptional repressor; plus strand). Cytogenetic location: 19q13.2.
Variant type: Microsatellite.
Coding change: c.3163_3164del on transcript NM_001386298.1 (MANE Select); coding-DNA positions 3163 to 3164, 2 bases deleted (AG; older notation c.3163_3164delAG).
Protein change: p.Glu1054_Ser1055insTer.
Molecular consequence: nonsense.
Genome position (GRCh38, 1-based): chr19:42,287,224-42,287,225, AG deleted; deleting any 2 consecutive bases within chr19:42,287,220-42,287,225 gives the same sequence; the c. name uses the placement nearest the transcript's 3' end. VCF-style (leftmost placement, unchanged base first): chr19-42287219-CAG-C. GRCh37 (hg19) VCF-style: chr19-42791371-CAG-C.
Other names: c.436_437delAG (NM_015125.4); c.3163_3164del, p.Glu1054_Ser1055insTer (NM_001304815.2, NM_001379480.1, NM_001379482.1); c.436_437del, p.Glu145_Ser146insTer (NM_001379484.1, NM_001379485.1, NM_015125.5).
Identifiers: ClinVar variation 637047 (VCV000637047.1), dbSNP rs1599892470, ClinGen allele CA645600822.

ClinVar aggregate classification (germline): Pathogenic (1 of 4 stars; one submission).

Conditions:
Intellectual developmental disorder, autosomal dominant 45. Also called: Intellectual disability, autosomal dominant 45; MENTAL RETARDATION, AUTOSOMAL DOMINANT 45. Identifiers: MedGen C4539848, MONDO:0030910, OMIM 617600.

Submission:

Laboratory of Medical Genetics, National & Kapodistrian University of Athens
Classification: Pathogenic for Intellectual developmental disorder, autosomal dominant 45. Last evaluated: 2018-12-10. Review status: criteria provided, single submitter. Criteria: ACMG Guidelines, 2015. Collection method: clinical testing. Allele origin: de novo. Affected: yes.
Comment: PVS1, PS2, PM2